The following is an entry in ClinVar:

NM_015164.4(PLEKHM2):c.835A>G (p.Thr279Ala)

Gene: PLEKHM2 (pleckstrin homology and RUN domain containing M2; plus strand). Cytogenetic location: 1p36.21.
Variant type: single nucleotide variant.
Coding change: c.835A>G on transcript NM_015164.4 (MANE Select); coding-DNA position 835, A replaced by G.
Protein change: p.Thr279Ala; replaces threonine 279 with alanine.
Molecular consequence: missense variant.
Genome position (GRCh38, 1-based): chr1:15,725,439, A>G. VCF-style: chr1-15725439-A-G. GRCh37 (hg19) VCF-style: chr1-16051934-A-G.
Other names: c.775A>G, p.Thr259Ala (NM_001410755.1); short protein forms T259A, T279A.
Identifiers: ClinVar variation 3603924 (VCV003603924.2).

ClinVar aggregate classification (germline): Uncertain significance (1 of 4 stars; one submission).

gnomAD v4.1: 12 of 1,566,474 alleles (0.00077%); highest among the groups gnomAD compares: South Asian, 0.011%; 1 homozygote.

Submission:

Labcorp Genetics (formerly Invitae), Labcorp
Classification: Uncertain significance. Last evaluated: 2024-03-20. Review status: criteria provided, single submitter. Criteria: Invitae Variant Classification Sherloc (09022015). Collection method: clinical testing. Allele origin: germline.
Comment: This sequence change replaces threonine, which is neutral and polar, with alanine, which is neutral and non-polar, at codon 279 of the PLEKHM2 protein (p.Thr279Ala). The frequency data for this variant in the population databases is considered unreliable, as metrics indicate poor data quality at this position in the gnomAD database. This variant has not been reported in the literature in individuals affected with PLEKHM2-related conditions. Algorithms developed to predict the effect of missense changes on protein structure and function output the following: SIFT: "Not Available"; PolyPhen-2: "Benign"; Align-GVGD: "Not Available". The alanine amino acid residue is found in multiple mammalian species, which suggests that this missense change does not adversely affect protein function. In summary, the available evidence is currently insufficient to determine the role of this variant in disease. Therefore, it has been classified as a Variant of Uncertain Significance.